The following is an entry in ClinVar:

ClinVar aggregate classification (germline): Uncertain significance. Review status: criteria provided, single submitter (1 of 4 stars). 2 submissions from 2 submitters: Uncertain significance (1). 1 of the submissions does not count toward it. Last evaluated 2022-09-01.

Conditions:
Primary ciliary dyskinesia. Also called: Ciliary dyskinesia. Identifiers: Orphanet 244, MedGen C0008780, MONDO:0016575, HP:0012265.
DNAH11-related disorder. Also called: DNAH11-related condition.

Allele frequency attached by ClinVar (database versions not stated): gnomAD 0.00001; gnomAD exomes 0.00001; ExAC 0.00002; TOPMed 0.00003; ESP Exome Variant Server 0.00008.
gnomAD v4.1: 13 of 1,609,452 alleles (0.00081%); highest among the groups gnomAD compares: Admixed American, 0.0017%; no homozygotes.

Submissions (2):

Labcorp Genetics (formerly Invitae), Labcorp
Classification: Uncertain significance for Primary ciliary dyskinesia. Last evaluated: 2022-09-01. Review status: criteria provided, single submitter. Criteria: Invitae Variant Classification Sherloc (09022015). Collection method: clinical testing. Allele origin: germline.
Comment: This sequence change falls in intron 22 of the DNAH11 gene. It does not directly change the encoded amino acid sequence of the DNAH11 protein. It affects a nucleotide within the consensus splice site. This variant is present in population databases (rs375356107, gnomAD 0.0009%). This variant has not been reported in the literature in individuals affected with DNAH11-related conditions. ClinVar contains an entry for this variant (Variation ID: 1061395). Variants that disrupt the consensus splice site are a relatively common cause of aberrant splicing (PMID: 17576681, 9536098). Algorithms developed to predict the effect of sequence changes on RNA splicing suggest that this variant may disrupt the consensus splice site. In summary, the available evidence is currently insufficient to determine the role of this variant in disease. Therefore, it has been classified as a Variant of Uncertain Significance.

PreventionGenetics, part of Exact Sciences
Classification: Likely benign for DNAH11-related condition. Last evaluated: 2023-01-05. Review status: no assertion criteria provided. Collection method: clinical testing. Allele origin: germline. Not counted in ClinVar's aggregate classification.
Comment: This variant is classified as likely benign based on ACMG/AMP sequence variant interpretation guidelines (Richards et al. 2015 PMID: 25741868, with internal and published modifications).

Literature cited by the submitters: PubMed 17576681 (cited by Labcorp Genetics (formerly Invitae), Labcorp); PubMed 9536098 (cited by Labcorp Genetics (formerly Invitae), Labcorp).

NM_001277115.2(DNAH11):c.4095+3G>A

Gene: DNAH11 (dynein axonemal heavy chain 11; plus strand). Cytogenetic location: 7p15.3.
Variant type: single nucleotide variant.
Coding change: c.4095+3G>A on transcript NM_001277115.2 (MANE Select); 3 bases into the intron after coding-DNA position 4095, G replaced by A.
Molecular consequence: intron variant.
Genome position (GRCh38, 1-based): chr7:21,616,295, G>A. VCF-style: chr7-21616295-G-A. GRCh37 (hg19) VCF-style: chr7-21655913-G-A.
Other names: c.4095+3G>A (NM_001277115.1).
Identifiers: ClinVar variation 1061395 (VCV001061395.6), dbSNP rs375356107, ClinGen allele CA4179879.